The following is an entry in ClinVar:

NM_172107.4(KCNQ2):c.823C>G (p.Leu275Val)

Gene: KCNQ2 (potassium voltage-gated channel subfamily Q member 2; minus strand). Cytogenetic location: 20q13.33.
Variant type: single nucleotide variant.
Coding change: c.823C>G on transcript NM_172107.4 (MANE Select); coding-DNA position 823, C replaced by G.
Protein change: p.Leu275Val; replaces leucine 275 with valine.
Molecular consequence: missense variant.
Genome position (GRCh38, 1-based): chr20:63,439,702, G>C on the plus strand (C>G on the coding strand, the complement: KCNQ2 is on the minus strand). VCF-style: chr20-63439702-G-C. GRCh37 (hg19) VCF-style: chr20-62071055-G-C.
Other names: c.823C>G, p.Leu275Val (NM_172109.3, NM_001382235.1, NM_004518.6 and 2 more transcripts); short protein forms L275V.
Identifiers: ClinVar variation 1177922 (VCV001177922.2), dbSNP rs2145719697, ClinGen allele CA409652763.

ClinVar aggregate classification (germline): Likely pathogenic (1 of 4 stars; one submission).

Submission:

GeneDx
Classification: Likely pathogenic. Last evaluated: 2019-07-17. Review status: criteria provided, single submitter. Criteria: GeneDx Variant Classification Process June 2021. Collection method: clinical testing. Allele origin: germline. Affected: yes.
Comment: Published functional studies suggest that L275V likely alters the function of KCNQ2, however these studies were not able to establish the association between the in vitro observations and a mechanism of disease (Blom et al., 2014); The majority of missense variants in this gene are considered pathogenic (Stenson et al., 2014); Not observed in large population cohorts (Lek et al., 2016); In silico analysis, which includes protein predictors and evolutionary conservation, supports a deleterious effect; This substitution is predicted to be within the pore forming loop between the S5 and S6 transmembrane segments; This variant is associated with the following publications: (PMID: 24956197)